The following is an entry in ClinVar:

NM_001206744.2(TPO):c.1718T>A (p.Leu573Ter)

Genes: LALTOP (lung cancer associated lncRNA targeting TOP2A; minus strand), TPO (thyroid peroxidase; plus strand). Cytogenetic location: 2p25.3.
Variant type: single nucleotide variant.
Coding change: c.1718T>A on transcript NM_001206744.2 (MANE Select); coding-DNA position 1718, T replaced by A.
Protein change: p.Leu573Ter; replaces leucine 573 with a stop codon.
Molecular consequence: nonsense. On other transcripts: intron variant (2).
Genome position (GRCh38, 1-based): chr2:1,487,941, T>A. VCF-style: chr2-1487941-T-A. GRCh37 (hg19) VCF-style: chr2-1491713-T-A.
Other names: c.1718T>A, p.Leu573Ter (NM_000547.6, NM_175721.3); c.1199T>A, p.Leu400Ter (NM_175722.3); c.1597+3087T>A (NM_175719.4, NM_001206745.2); short protein forms L400*, L573*.
Identifiers: ClinVar variation 2838546 (VCV002838546.3), dbSNP rs2546193773, ClinGen allele CA345695905.
Genomic context (GRCh38, chr2:1,487,941, plus strand): 5'-ATCAGCTGATGAACGAGGAGCTGACGGAAAGGCTCTTTGTGCTGTCCAATTCCAGCACCT[T>A]GGATCTGGCGTCCATCAACCTGCAGAGGGGCCGGGACCACGGGCTGCCAGGTCTGCCAGT-3'

ClinVar aggregate classification (germline): Pathogenic (1 of 4 stars; one submission).

Submission:

Labcorp Genetics (formerly Invitae), Labcorp
Classification: Pathogenic. Last evaluated: 2023-02-17. Review status: criteria provided, single submitter. Criteria: Invitae Variant Classification Sherloc (09022015). Collection method: clinical testing. Allele origin: germline.
Comment: For these reasons, this variant has been classified as Pathogenic. This sequence change creates a premature translational stop signal (p.Leu573*) in the TPO gene. It is expected to result in an absent or disrupted protein product. Loss-of-function variants in TPO are known to be pathogenic (PMID: 11061528, 23236987, 25564141). This variant is not present in population databases (gnomAD no frequency). This variant has not been reported in the literature in individuals affected with TPO-related conditions. Algorithms developed to predict the effect of sequence changes on RNA splicing suggest that this variant may disrupt the consensus splice site.

Literature cited by the submitters: PubMed 11061528; PubMed 23236987; PubMed 25564141.